The following is an entry in ClinVar:

ClinVar aggregate classification (germline): Uncertain significance. Review status: criteria provided, single submitter (1 of 4 stars). 2 submissions from 1 submitter: Uncertain significance (2). Last evaluated 2019-12-20.

Conditions:
Cardiovascular phenotype. Identifiers: MedGen CN230736.
Hereditary cancer-predisposing syndrome. Also called: Neoplastic Syndromes, Hereditary; Tumor predisposition; Hereditary Cancer Syndrome; Hereditary neoplastic syndrome. Identifiers: Orphanet 140162, MedGen C0027672, MeSH D009386, MONDO:0015356.

Allele frequency attached by ClinVar (database versions not stated): gnomAD exomes below 0.00001; TOPMed below 0.00001.
gnomAD v4.1: 1 of 1,614,148 alleles (0.000062%); highest among the groups gnomAD compares: Non-Finnish European, 0.000085%; no homozygotes.

Submissions (2):

Ambry Genetics
Classification: Uncertain significance for Cardiovascular phenotype; Hereditary cancer-predisposing syndrome. Last evaluated: 2019-12-20. Review status: criteria provided, single submitter. Criteria: Ambry Variant Classification Scheme 2023. Collection method: clinical testing. Allele origin: germline.

Ambry Genetics
Classification: Uncertain significance for Hereditary cancer-predisposing syndrome. Last evaluated: 2015-07-02. Review status: criteria provided, single submitter. Criteria: Ambry Autosomal Dominant and X-Linked criteria (10/2015). Collection method: clinical testing. Allele origin: germline. Observed: 1 variant allele.
Comment: The p.Q1835R variant (also known as c.5504A>G), located in coding exon 38 of the NF1 gene, results from an A to G substitution at nucleotide position 5504. The glutamine at codon 1835 is replaced by arginine, an amino acid with highly similar properties. This variant was not reported in population based cohorts in the following databases: Database of Single Nucleotide Polymorphisms (dbSNP), NHLBI Exome Sequencing Project (ESP), and 1000 Genomes Project. In the ESP, this variant was not observed in 6503 samples (13006 alleles) with coverage at this position. To date, this alteration has been detected with an allele frequency of approximately 0.002% (greater than 55000alleles tested) in our clinical cohort.This amino acid position is highly conserved in available vertebrate species. In addition, this alteration is predicted to be deleterious by in silico analysis.Since supporting evidence is limited at this time, the clinical significance of p.Q1835Rremains unclear.

Literature cited by the submitters: PubMed 23656349.

NM_001042492.3(NF1):c.5504A>G (p.Gln1835Arg)

Gene: NF1 (neurofibromin 1; plus strand). Cytogenetic location: 17q11.2.
Variant type: single nucleotide variant.
Coding change: c.5504A>G on transcript NM_001042492.3 (MANE Select); coding-DNA position 5504, A replaced by G.
Protein change: p.Gln1835Arg; replaces glutamine 1835 with arginine.
Molecular consequence: missense variant.
Genome position (GRCh38, 1-based): chr17:31,327,734, A>G. VCF-style: chr17-31327734-A-G. GRCh37 (hg19) VCF-style: chr17-29654752-A-G.
Other names: c.5441A>G, p.Gln1814Arg (NM_000267.4); short protein forms Q1814R, Q1835R.
Identifiers: ClinVar variation 232849 (VCV000232849.4), dbSNP rs876660025, ClinGen allele CA10580349.